The following is an entry in ClinVar:

NM_001379500.1(COL18A1):c.107-11809C>T

Gene: COL18A1 (collagen type XVIII alpha 1 chain; plus strand). Cytogenetic location: 21q22.3.
Variant type: single nucleotide variant.
Coding change: c.107-11809C>T on transcript NM_001379500.1 (MANE Select); 11809 bases into the intron before coding-DNA position 107, C replaced by T.
Molecular consequence: intron variant. On other transcripts: synonymous variant (1).
Genome position (GRCh38, 1-based): chr21:45,456,433, C>T. VCF-style: chr21-45456433-C-T. GRCh37 (hg19) VCF-style: chr21-46876347-C-T.
Other names: c.903C>T, p.Ser301= (NM_130444.3); c.646+257C>T (NM_030582.4).
Identifiers: ClinVar variation 3041709 (VCV003041709.3), dbSNP rs988273624, ClinGen allele CA321895589.

ClinVar aggregate classification (germline): Likely benign. Review status: criteria provided, single submitter (1 of 4 stars). 2 submissions from 2 submitters: Likely benign (1). 1 of the submissions does not count toward it. Last evaluated 2021-11-10.

Conditions:
COL18A1-related disorder. Also called: COL18A1-related disorders; COL18A1-related condition.

Allele frequency attached by ClinVar (database versions not stated): TOPMed 0.00002; gnomAD 0.00003.
gnomAD v4.1: 39 of 1,543,854 alleles (0.0025%); highest among the groups gnomAD compares: Middle Eastern, 0.084%; no homozygotes.

Submissions (2):

Blueprint Genetics
Classification: Likely benign. Last evaluated: 2021-11-10. Review status: criteria provided, single submitter. Criteria: ACMG Guidelines, 2015. Collection method: clinical testing. Allele origin: germline.

PreventionGenetics, part of Exact Sciences
Classification: Likely benign for COL18A1-related condition. Last evaluated: 2019-05-24. Review status: no assertion criteria provided. Collection method: clinical testing. Allele origin: germline. Not counted in ClinVar's aggregate classification.
Comment: This variant is classified as likely benign based on ACMG/AMP sequence variant interpretation guidelines (Richards et al. 2015 PMID: 25741868, with internal and published modifications).